The following is an entry in ClinVar:

NM_001101362.3(KBTBD13):c.242C>T (p.Ala81Val)

Gene: KBTBD13 (kelch repeat and BTB domain containing 13; plus strand). Cytogenetic location: 15q22.31.
Variant type: single nucleotide variant.
Coding change: c.242C>T on transcript NM_001101362.3 (MANE Select); coding-DNA position 242, C replaced by T.
Protein change: p.Ala81Val; replaces alanine 81 with valine.
Molecular consequence: missense variant.
Genome position (GRCh38, 1-based): chr15:65,077,057, C>T. VCF-style: chr15-65077057-C-T. GRCh37 (hg19) VCF-style: chr15-65369395-C-T.
Other names: p.Ala81Val; short protein forms A81V.
Identifiers: ClinVar variation 129308 (VCV000129308.27), dbSNP rs2919358, ClinGen allele CA153240.

ClinVar aggregate classification (germline): Benign. Review status: criteria provided, multiple submitters, no conflicts (2 of 4 stars). 11 submissions from 11 submitters: Benign (9). 2 of the submissions do not count toward it. Last evaluated 2026-02-04.

Conditions:
Nemaline myopathy 6 (NEM6). Also called: Nemaline myopathy 6, autosomal dominant. Identifiers: Orphanet 171439, MedGen C1836472, MONDO:0012237, OMIM 609273.

Allele frequency attached by ClinVar (database versions not stated): TOPMed 0.48193; 1000 Genomes Project 0.52177; 1000 Genomes Project 30x 0.52358; ESP Exome Variant Server 0.39571; ExAC 0.40032; gnomAD exomes 0.45061; gnomAD 0.46420 and 0.46622.
gnomAD v4.1: 610,623 of 1,516,914 alleles (40%); highest among the groups gnomAD compares: East Asian, 73%; 127,887 homozygotes.

Submissions (11):

Labcorp Genetics (formerly Invitae), Labcorp
Classification: Benign for Nemaline myopathy 6. Last evaluated: 2026-02-04. Review status: criteria provided, single submitter. Criteria: Invitae Variant Classification Sherloc (09022015). Collection method: clinical testing. Allele origin: germline.

Genome-Nilou Lab
Classification: Benign for Nemaline myopathy 6. Last evaluated: 2021-08-19. Review status: criteria provided, single submitter. Criteria: ACMG Guidelines, 2015. Collection method: clinical testing. Allele origin: germline. Affected: no.

Mendelics
Classification: Benign for Nemaline myopathy 6. Last evaluated: 2019-05-28. Review status: criteria provided, single submitter. Criteria: Mendelics Assertion Criteria 2017. Collection method: clinical testing. Allele origin: unknown.

Mayo Clinic Laboratories, Mayo Clinic
Classification: Benign. Last evaluated: 2018-05-08. Review status: criteria provided, single submitter. Criteria: ACMG Guidelines, 2015. Collection method: clinical testing. Allele origin: germline. Observed: 311 variant alleles.

Illumina Laboratory Services, Illumina
Classification: Benign for Nemaline myopathy 6. Last evaluated: 2018-01-13. Review status: criteria provided, single submitter. Criteria: ICSL Variant Classification Criteria 13 December 2019. Collection method: clinical testing. Allele origin: germline.
Comment: This variant was observed in the ICSL laboratory as part of a predisposition screen in an ostensibly healthy population. It had not been previously curated by ICSL or reported in the Human Gene Mutation Database (HGMD: prior to June 1st, 2018), and was therefore a candidate for classification through an automated scoring system. Utilizing variant allele frequency, disease prevalence and penetrance estimates, and inheritance mode, an automated score was calculated to assess if this variant is too frequent to cause the disease. Based on the score and internal cut-off values, a variant classified as benign is not then subjected to further curation. The score for this variant resulted in a classification of benign for this disease.

GeneDx
Classification: Benign. Last evaluated: 2015-03-03. Review status: criteria provided, single submitter. Criteria: GeneDx Variant Classification Process June 2021. Collection method: clinical testing. Allele origin: germline. Affected: yes.

Genetic Services Laboratory, University of Chicago
Classification: Benign for AllHighlyPenetrant. Last evaluated: 2014-02-17. Review status: criteria provided, single submitter. Criteria: ACMG Guidelines, 2007. Collection method: clinical testing. Allele origin: germline. Inheritance: Autosomal dominant inheritance.

Breakthrough Genomics
Classification: Benign. Review status: criteria provided, single submitter. Criteria: ACMG Guidelines, 2015. Collection method: not provided. Allele origin: germline. Inheritance: Autosomal dominant inheritance. Affected: yes.

PreventionGenetics, part of Exact Sciences
Classification: Benign. Review status: criteria provided, single submitter. Criteria: ACMG Guidelines, 2015. Collection method: clinical testing. Allele origin: germline.

Genome Diagnostics Laboratory, University Medical Center Utrecht
Classification: Benign. Review status: no assertion criteria provided. Collection method: clinical testing. Allele origin: germline. Affected: yes. Study: VKGL Data-share Consensus. Not counted in ClinVar's aggregate classification.

Joint Genome Diagnostic Labs from Nijmegen and Maastricht, Radboudumc and MUMC+
Classification: Benign. Review status: no assertion criteria provided. Collection method: clinical testing. Allele origin: germline. Affected: yes. Study: VKGL Data-share Consensus. Not counted in ClinVar's aggregate classification.